The following is an entry in ClinVar:

NM_005477.3(HCN4):c.14C>T (p.Pro5Leu)

Gene: HCN4 (hyperpolarization activated cyclic nucleotide gated potassium channel 4; minus strand). Cytogenetic location: 15q24.1.
Variant type: single nucleotide variant.
Coding change: c.14C>T on transcript NM_005477.3 (MANE Select); coding-DNA position 14, C replaced by T.
Protein change: p.Pro5Leu; replaces proline 5 with leucine.
Molecular consequence: missense variant.
Genome position (GRCh38, 1-based): chr15:73,368,257, G>A on the plus strand (C>T on the coding strand, the complement: HCN4 is on the minus strand). VCF-style: chr15-73368257-G-A. GRCh37 (hg19) VCF-style: chr15-73660598-G-A.
Other names: short protein forms P5L.
Identifiers: ClinVar variation 3283656 (VCV003283656.1).

ClinVar aggregate classification (germline): Uncertain significance (1 of 4 stars; one submission).

Conditions:
Cardiovascular phenotype. Identifiers: MedGen CN230736.

Submission:

Ambry Genetics
Classification: Uncertain significance for Cardiovascular phenotype. Last evaluated: 2024-04-21. Review status: criteria provided, single submitter. Criteria: Ambry Variant Classification Scheme 2023. Collection method: clinical testing. Allele origin: germline.
Comment: The p.P5L variant (also known as c.14C>T), located in coding exon 1 of the HCN4 gene, results from a C to T substitution at nucleotide position 14. The proline at codon 5 is replaced by leucine, an amino acid with similar properties. This amino acid position is conserved. In addition, the in silico prediction for this alteration is inconclusive. Based on the available evidence, the clinical significance of this variant remains unclear.